The following is an entry in ClinVar:

NM_014989.7(RIMS1):c.3472G>T (p.Glu1158Ter)

Gene: RIMS1 (regulating synaptic membrane exocytosis 1; plus strand). Cytogenetic location: 6q13.
Variant type: single nucleotide variant.
Coding change: c.3472G>T on transcript NM_014989.7 (MANE Select); coding-DNA position 3472, G replaced by T.
Protein change: p.Glu1158Ter; replaces glutamic acid 1158 with a stop codon.
Molecular consequence: nonsense. On other transcripts: intron variant (58).
Genome position (GRCh38, 1-based): chr6:72,274,422, G>T. VCF-style: chr6-72274422-G-T. GRCh37 (hg19) VCF-style: chr6-72984125-G-T.
Other names: c.1699G>T, p.Glu567Ter (NM_001350415.2, NM_001350445.2); c.1702G>T, p.Glu568Ter (NM_001350433.2); c.1636G>T, p.Glu546Ter (NM_001350435.2); c.1630G>T, p.Glu544Ter (NM_001350437.2); c.1559+8373G>T (NM_001350428.2, NM_001350459.2, NM_001350424.2 and 1 more transcripts); c.1556+8373G>T (NM_001350430.2, NM_001350421.2, NM_001350450.2); c.1706+8373G>T (NM_001350458.2); c.1628+8373G>T (NM_001350446.2, NM_001350442.2, NM_001350416.2 and 7 more transcripts); and 20 more; short protein forms E1158*, E544*, E568*, E546*, E567*.
Identifiers: ClinVar variation 2730492 (VCV002730492.3), dbSNP rs866030297, ClinGen allele CA364687468.
Genomic context (GRCh38, chr6:72,274,422, plus strand): 5'-CCCTCCCTAGATAGGAGACGACCTCCTAGTCCCAGGATTCAAATCCAGCATGCGTCTCCG[G>T]AGAATGACAGGTACTAGTCAACTCCTCCTCACAGACAAGTGGCTTCTAGAAGCTTATAGG-3'

ClinVar aggregate classification (germline): Uncertain significance (1 of 4 stars; one submission).

Allele frequency attached by ClinVar (database versions not stated): TOPMed below 0.00001.

Submission:

Labcorp Genetics (formerly Invitae), Labcorp
Classification: Uncertain significance. Last evaluated: 2023-06-27. Review status: criteria provided, single submitter. Criteria: Invitae Variant Classification Sherloc (09022015). Collection method: clinical testing. Allele origin: germline.
Comment: In summary, the available evidence is currently insufficient to determine the role of this variant in disease. Therefore, it has been classified as a Variant of Uncertain Significance. This variant has not been reported in the literature in individuals affected with RIMS1-related conditions. This variant is not present in population databases (gnomAD no frequency). This sequence change creates a premature translational stop signal (p.Glu1158*) in the RIMS1 gene. It is expected to result in an absent or disrupted protein product. However, the current clinical and genetic evidence is not sufficient to establish whether loss-of-function variants in RIMS1 cause disease.